The following is an entry in ClinVar:

ClinVar aggregate classification (germline): Likely pathogenic (1 of 4 stars; one submission).

Submission:

Labcorp Genetics (formerly Invitae), Labcorp
Classification: Likely pathogenic. Last evaluated: 2023-06-02. Review status: criteria provided, single submitter. Criteria: Invitae Variant Classification Sherloc (09022015). Collection method: clinical testing. Allele origin: germline.
Comment: In summary, the currently available evidence indicates that the variant is pathogenic, but additional data are needed to prove that conclusively. Therefore, this variant has been classified as Likely Pathogenic. Algorithms developed to predict the effect of sequence changes on RNA splicing suggest that this variant may disrupt the consensus splice site. This variant has not been reported in the literature in individuals affected with ABCC8-related conditions. This variant is not present in population databases (gnomAD no frequency). This sequence change affects an acceptor splice site in intron 12 of the ABCC8 gene. It is expected to disrupt RNA splicing. Variants that disrupt the donor or acceptor splice site typically lead to a loss of protein function (PMID: 16199547), and loss-of-function variants in ABCC8 are known to be pathogenic (PMID: 20685672, 23345197).

Literature cited by the submitters: PubMed 16199547; PubMed 20685672; PubMed 23345197.

NM_000352.6(ABCC8):c.1818-1G>A

Gene: ABCC8 (ATP binding cassette subfamily C member 8; minus strand). Cytogenetic location: 11p15.1.
Variant type: single nucleotide variant.
Coding change: c.1818-1G>A on transcript NM_000352.6 (MANE Select); the canonical splice acceptor site of the intron before coding-DNA position 1818, G replaced by A.
Molecular consequence: splice acceptor variant.
Genome position (GRCh38, 1-based): chr11:17,428,671, C>T on the plus strand (G>A on the coding strand, the complement: ABCC8 is on the minus strand). VCF-style: chr11-17428671-C-T. GRCh37 (hg19) VCF-style: chr11-17450218-C-T.
Other names: c.1815-1G>A (NM_001351297.2, NM_001351296.2); c.1818-1G>A (NM_001351295.2, NM_001287174.3).
Identifiers: ClinVar variation 2757007 (VCV002757007.3), dbSNP rs2496672672, ClinGen allele CA379816116.
Genomic context (GRCh38, chr11:17,428,671, plus strand): 5'-GGGGCACACTGCTCCTCACGGATCTCTGCACTGGACAGGAACTCGCTTAGCTTTTGCACG[C>T]TGCTCGGGAAGCACAGAGACACCCCTCACCCCTGCCAGGGGCAGAGGGGAGGGGAGAGGG-3'